The following is an entry in ClinVar:

ClinVar aggregate classification (germline): Uncertain significance. Review status: criteria provided, multiple submitters, no conflicts (2 of 4 stars). 2 submissions from 2 submitters: Uncertain significance (2). Last evaluated 2025-07-25.

Conditions:
Inborn genetic diseases. Identifiers: MedGen C0950123, MeSH D030342.

gnomAD v4.1: 16 of 1,612,486 alleles (0.00099%); highest among the groups gnomAD compares: African/African-American, 0.0067%; no homozygotes.

Submissions (2):

Labcorp Genetics (formerly Invitae), Labcorp
Classification: Uncertain significance. Last evaluated: 2025-07-25. Review status: criteria provided, single submitter. Criteria: Invitae Variant Classification Sherloc (09022015). Collection method: clinical testing. Allele origin: germline.
Comment: This sequence change replaces arginine, which is basic and polar, with cysteine, which is neutral and slightly polar, at codon 1019 of the SKIV2L protein (p.Arg1019Cys). This variant is present in population databases (rs762766204, gnomAD 0.003%). This variant has not been reported in the literature in individuals affected with SKIV2L-related conditions. ClinVar contains an entry for this variant (Variation ID: 3442326). An algorithm developed to predict the effect of missense changes on protein structure and function (PolyPhen-2) suggests that this variant is likely to be disruptive. In summary, the available evidence is currently insufficient to determine the role of this variant in disease. Therefore, it has been classified as a Variant of Uncertain Significance.

Ambry Genetics
Classification: Uncertain significance for Inborn genetic diseases. Last evaluated: 2024-10-20. Review status: criteria provided, single submitter. Criteria: Ambry Variant Classification Scheme 2023. Collection method: clinical testing. Allele origin: germline.

NM_006929.5(SKIC2):c.3055C>T (p.Arg1019Cys)

Gene: SKIC2 (SKI2 subunit of superkiller complex; plus strand). Cytogenetic location: 6p21.33.
Variant type: single nucleotide variant.
Coding change: c.3055C>T on transcript NM_006929.5 (MANE Select); coding-DNA position 3055, C replaced by T.
Protein change: p.Arg1019Cys; replaces arginine 1019 with cysteine.
Molecular consequence: missense variant.
Genome position (GRCh38, 1-based): chr6:31,968,524, C>T. VCF-style: chr6-31968524-C-T. GRCh37 (hg19) VCF-style: chr6-31936301-C-T.
Other names: short protein forms R1019C.
Identifiers: ClinVar variation 3442326 (VCV003442326.2).